The following is an entry in ClinVar:

ClinVar aggregate classification (germline): Likely benign (1 of 4 stars; one submission).

gnomAD v4.1: 8 of 1,613,272 alleles (0.0005%); highest among the groups gnomAD compares: Non-Finnish European, 0.00068%; no homozygotes.

Submission:

CeGaT Center for Human Genetics Tuebingen
Classification: Likely benign. Last evaluated: 2024-11-01. Review status: criteria provided, single submitter. Criteria: CeGaT Center For Human Genetics Tuebingen Variant Classification Criteria Version 2. Collection method: clinical testing. Allele origin: germline. Affected: yes. Observed: 1 variant allele.
Comment: ANGPTL3: BP4, BP7

NM_014495.4(ANGPTL3):c.85C>T (p.Leu29=)

Genes: ANGPTL3 (angiopoietin like 3; plus strand), DOCK7 (dedicator of cytokinesis 7; minus strand). Cytogenetic location: 1p31.3.
Variant type: single nucleotide variant.
Coding change: c.85C>T on transcript NM_014495.4 (MANE Select); coding-DNA position 85, C replaced by T.
Protein change: p.Leu29=; no amino-acid change (leucine 29 retained).
Molecular consequence: synonymous variant. On other transcripts: intron variant (7).
Genome position (GRCh38, 1-based): chr1:62,597,651, C>T. VCF-style: chr1-62597651-C-T. GRCh37 (hg19) VCF-style: chr1-63063322-C-T.
Other names: c.1683-11027G>A (NM_001272001.2, NM_001272000.2, NM_033407.4 and 4 more transcripts).
Identifiers: ClinVar variation 3389511 (VCV003389511.14).
Genomic context (GRCh38, chr1:62,597,651, plus strand): 5'-TTTATTGTTCCTCTAGTTATTTCCTCCAGAATTGATCAAGACAATTCATCATTTGATTCT[C>T]TATCTCCAGAGCCAAAATCAAGATTTGCTATGTTAGACGATGTAAAAATTTTAGCCAATG-3'
Protein context (NP_055310.1, residues 19-39): IDQDNSSFDS[Leu29=]SPEPKSRFAM